The following is an entry in ClinVar:

ClinVar aggregate classification (germline): Benign/Likely benign. Review status: criteria provided, multiple submitters, no conflicts (2 of 4 stars). 10 submissions from 10 submitters: Benign (6); Likely benign (3). 1 of the submissions does not count toward it. Last evaluated 2026-09-01.

Conditions:
Brown-Vialetto-van Laere syndrome 1. Also called: BULBAR PALSY, PROGRESSIVE, WITH SENSORINEURAL DEAFNESS; PONTOBULBAR PALSY WITH DEAFNESS; BROWN-VIALETTO-VAN LAERE SYNDROME 1, MILD. Identifiers: Orphanet 572550, Orphanet 97229, MedGen C0796274, MONDO:0024537, OMIM 211530.
Progressive bulbar palsy of childhood. Also called: FAZIO-LONDE DISEASE; Childhood Progressive Bulbar Palsy. Identifiers: MedGen C0393540, MONDO:0100428, OMIM 211500.
Inborn genetic diseases. Identifiers: MedGen C0950123, MeSH D030342.
SLC52A3-related disorder. Also called: SLC52A3-related condition.

Allele frequency attached by ClinVar (database versions not stated): gnomAD exomes 0.00622; ESP Exome Variant Server 0.00808; gnomAD 0.00809 and 0.00786; 1000 Genomes Project 30x 0.00578; 1000 Genomes Project 0.00579; ExAC 0.00678; TOPMed 0.00809.
gnomAD v4.1: 16,045 of 1,600,526 alleles (1%); highest among the groups gnomAD compares: Non-Finnish European, 1.2%; 121 homozygotes.

Submissions (10):

CeGaT Center for Human Genetics Tuebingen
Classification: Benign. Last evaluated: 2026-09-01. Review status: criteria provided, single submitter. Criteria: CeGaT Center For Human Genetics Tuebingen Variant Classification Criteria Version 2. Collection method: clinical testing. Allele origin: germline. Affected: yes. Observed: 27 variant alleles.
Comment: SLC52A3: BP4, BP7, BS1, BS2

Labcorp Genetics (formerly Invitae), Labcorp
Classification: Benign for Brown-Vialetto-van Laere syndrome 1. Last evaluated: 2026-02-03. Review status: criteria provided, single submitter. Criteria: Invitae Variant Classification Sherloc (09022015). Collection method: clinical testing. Allele origin: germline.

ARUP Laboratories, Molecular Genetics and Genomics, ARUP Laboratories
Classification: Benign. Last evaluated: 2025-04-07. Review status: criteria provided, single submitter. Criteria: ARUP Molecular Germline Variant Investigation Process 2024. Collection method: clinical testing. Allele origin: germline.

Mayo Clinic Laboratories, Mayo Clinic
Classification: Benign. Last evaluated: 2023-05-02. Review status: criteria provided, single submitter. Criteria: ACMG Guidelines, 2015. Collection method: clinical testing. Allele origin: germline. Observed: 33 variant alleles.
Comment: BS1, BS2, BP4, BP7

Fulgent Genetics
Classification: Likely benign for Progressive bulbar palsy of childhood; Brown-Vialetto-van Laere syndrome 1. Last evaluated: 2021-07-19. Review status: criteria provided, single submitter. Criteria: ACMG Guidelines, 2015. Collection method: clinical testing. Allele origin: unknown.

GeneDx
Classification: Benign. Last evaluated: 2020-09-02. Review status: criteria provided, single submitter. Criteria: GeneDx Variant Classification Process June 2021. Collection method: clinical testing. Allele origin: germline. Affected: yes.

Ambry Genetics
Classification: Likely benign for Inborn genetic diseases. Last evaluated: 2019-07-11. Review status: criteria provided, single submitter. Criteria: Ambry Variant Classification Scheme 2023. Collection method: clinical testing. Allele origin: germline.

Laboratory for Molecular Medicine, Mass General Brigham Personalized Medicine
Classification: Benign. Last evaluated: 2017-08-23. Review status: criteria provided, single submitter. Criteria: LMM Criteria. Collection method: clinical testing. Allele origin: germline. Observed: 4 variant alleles.
Comment: p.Phe3Phe in exon 2 of SLC52A3: This variant is not expected to have clinical si gnificance because it does not alter an amino acid residue, is not located withi n the splice consensus sequence, and has been identified in 0.94% (566/60078) of European chromosomes by the Exome Aggregation Consortium (ExAC; dbSNP rs139486822).

Breakthrough Genomics
Classification: Likely benign. Review status: criteria provided, single submitter. Criteria: ACMG Guidelines, 2015. Collection method: not provided. Allele origin: germline. Inheritance: Autosomal recessive inheritance. Affected: yes.

PreventionGenetics, part of Exact Sciences
Classification: Benign for SLC52A3-related condition. Last evaluated: 2021-05-06. Review status: no assertion criteria provided. Collection method: clinical testing. Allele origin: germline. Not counted in ClinVar's aggregate classification.
Comment: This variant is classified as benign based on ACMG/AMP sequence variant interpretation guidelines (Richards et al. 2015 PMID: 25741868, with internal and published modifications).

NM_033409.4(SLC52A3):c.9C>T (p.Phe3=)

Gene: SLC52A3 (solute carrier family 52 member 3; minus strand). Cytogenetic location: 20p13.
Variant type: single nucleotide variant.
Coding change: c.9C>T on transcript NM_033409.4 (MANE Select); coding-DNA position 9, C replaced by T.
Protein change: p.Phe3=; no amino-acid change (phenylalanine 3 retained).
Molecular consequence: synonymous variant.
Genome position (GRCh38, 1-based): chr20:765,766, G>A on the plus strand (C>T on the coding strand, the complement: SLC52A3 is on the minus strand). VCF-style: chr20-765766-G-A. GRCh37 (hg19) VCF-style: chr20-746410-G-A.
Other names: p.Phe3=; c.9C>T, p.Phe3= (NM_001370085.1, NM_001370086.1).
Identifiers: ClinVar variation 262242 (VCV000262242.48), dbSNP rs139486822, ClinGen allele CA9724844.